The following is an entry in ClinVar:

NM_152296.5(ATP1A3):c.2933G>A (p.Trp978Ter)

Gene: ATP1A3 (ATPase Na+/K+ transporting subunit alpha 3; minus strand). Cytogenetic location: 19q13.2.
Variant type: single nucleotide variant.
Coding change: c.2933G>A on transcript NM_152296.5 (MANE Select); coding-DNA position 2933, G replaced by A.
Protein change: p.Trp978Ter; replaces tryptophan 978 with a stop codon.
Molecular consequence: nonsense.
Genome position (GRCh38, 1-based): chr19:41,967,329, C>T on the plus strand (G>A on the coding strand, the complement: ATP1A3 is on the minus strand). VCF-style: chr19-41967329-C-T. GRCh37 (hg19) VCF-style: chr19-42471481-C-T.
Other names: c.2966G>A, p.Trp989Ter (NM_001256213.2); c.2972G>A, p.Trp991Ter (NM_001256214.2); short protein forms W978*, W989*, W991*.
Identifiers: ClinVar variation 3256778 (VCV003256778.1).

ClinVar aggregate classification (germline): Likely pathogenic (0 of 4 stars; one submission).

Conditions:
Alternating hemiplegia of childhood 2 (AHC2). Also called: Alternating Hemiplegia of Childhood (AHC). Identifiers: Orphanet 2131, MedGen C3553788, MONDO:0013900, OMIM 614820.

Submission:

Solve-RD Consortium
Classification: Likely pathogenic for Alternating hemiplegia of childhood 2. Last evaluated: 2022-06-01. Review status: no assertion criteria provided. Collection method: provider interpretation. Allele origin: inherited. Affected: yes.
Comment: Variant confirmed as disease-causing by referring clinical team

Variant identified during reanalysis of unsolved cases by the Solve-RD project. The Solve-RD project has received funding from the European Union’s Horizon 2020 research and innovation programme under grant agreement No 779257.

Literature cited by the submitters: PubMed 39825153.